The following is an entry in ClinVar:

ClinVar aggregate classification (germline): Likely benign (1 of 4 stars; one submission).

Submission:

CeGaT Center for Human Genetics Tuebingen
Classification: Likely benign. Last evaluated: 2025-01-01. Review status: criteria provided, single submitter. Criteria: CeGaT Center For Human Genetics Tuebingen Variant Classification Criteria Version 2. Collection method: clinical testing. Allele origin: germline. Affected: yes. Observed: 1 variant allele.
Comment: FAM177A1: BP4, BP7

NM_173607.5(FAM177A1):c.627A>C (p.Ser209=)

Genes: FAM177A1 (family with sequence similarity 177 member A1; plus strand), LOC101927178 (uncharacterized LOC101927178; plus strand). Cytogenetic location: 14q13.2.
Variant type: single nucleotide variant.
Coding change: c.627A>C on transcript NM_173607.5 (MANE Select); coding-DNA position 627, A replaced by C.
Protein change: p.Ser209=; no amino-acid change (serine 209 retained).
Molecular consequence: synonymous variant. On other transcripts: non-coding transcript variant (1).
Genome position (GRCh38, 1-based): chr14:35,081,144, A>C. VCF-style: chr14-35081144-A-C. GRCh37 (hg19) VCF-style: chr14-35550350-A-C.
Other names: c.558A>C, p.Ser186= (NM_001079519.1, NM_001289022.3).
Identifiers: ClinVar variation 3771124 (VCV003771124.13).
Genomic context (GRCh38, chr14:35,081,144, plus strand): 5'-TAAATTGCAGACTGATTCCATTGTTCAGACAGATCAACCAGAGACAGTGATATCCAGCTC[A>C]TTTGTGAATGTCAATTTTGAAATGGAGGGAGACAGTGAAGTAATTATGGAAAGCAAGCAA-3'
Protein context (NP_775878.2, residues 199-219): TDQPETVISS[Ser209=]FVNVNFEMEG